The following is an entry in ClinVar:

ClinVar aggregate classification (germline): Uncertain significance (1 of 4 stars; one submission).

Conditions:
Combined immunodeficiency due to OX40 deficiency. Also called: OX40 DEFICIENCY; Immunodeficiency 16. Identifiers: Orphanet 431149, MedGen C3810053, MONDO:0014268, OMIM 615593.

Allele frequency attached by ClinVar (database versions not stated): gnomAD exomes below 0.00001; TOPMed 0.00001.

Submission:

Labcorp Genetics (formerly Invitae), Labcorp
Classification: Uncertain significance for Combined immunodeficiency due to OX40 deficiency. Last evaluated: 2022-04-01. Review status: criteria provided, single submitter. Criteria: Invitae Variant Classification Sherloc (09022015). Collection method: clinical testing. Allele origin: germline.
Comment: In summary, the available evidence is currently insufficient to determine the role of this variant in disease. Therefore, it has been classified as a Variant of Uncertain Significance. Experimental studies and prediction algorithms are not available or were not evaluated, and the functional significance of this variant is currently unknown. This variant has not been reported in the literature in individuals affected with TNFRSF4-related conditions. This variant is not present in population databases (gnomAD no frequency). This sequence change results in a frameshift in the TNFRSF4 gene (p.Leu231Argfs*). While this is not anticipated to result in nonsense mediated decay, it is expected to disrupt the last 47 amino acid(s) of the TNFRSF4 protein and extend the protein by an uncertain number of additional amino acid residues.

NM_003327.4(TNFRSF4):c.692del (p.Leu231fs)

Gene: TNFRSF4 (TNF receptor superfamily member 4; minus strand). Cytogenetic location: 1p36.33.
Variant type: Deletion.
Coding change: c.692del on transcript NM_003327.4 (MANE Select); coding-DNA position 692, one base deleted (T; older notation c.692delT).
Protein change: p.Leu231fs; shifts the reading frame from leucine 231.
Molecular consequence: frameshift variant.
Genome position (GRCh38, 1-based): chr1:1,211,775, A deleted on the plus strand (T on the coding strand, the reverse complement: TNFRSF4 is on the minus strand). VCF-style (leftmost placement, unchanged base first): chr1-1211774-CA-C. GRCh37 (hg19) VCF-style: chr1-1147154-CA-C.
Other names: c.692delT, p.Leu231Argfs (NM_001410709.1); short protein forms L231fs.
Identifiers: ClinVar variation 1980851 (VCV001980851.4), dbSNP rs1649125714, ClinGen allele CA1148802082.